The following is an entry in ClinVar:

NM_001379500.1(COL18A1):c.107-12314C>T

Gene: COL18A1 (collagen type XVIII alpha 1 chain; plus strand). Cytogenetic location: 21q22.3.
Variant type: single nucleotide variant.
Coding change: c.107-12314C>T on transcript NM_001379500.1 (MANE Select); 12314 bases into the intron before coding-DNA position 107, C replaced by T.
Molecular consequence: intron variant. On other transcripts: missense variant (2).
Genome position (GRCh38, 1-based): chr21:45,455,928, C>T. VCF-style: chr21-45455928-C-T. GRCh37 (hg19) VCF-style: chr21-46875842-C-T.
Other names: c.398C>T, p.Pro133Leu (NM_030582.4, NM_130444.3); short protein forms P133L.
Identifiers: ClinVar variation 1445321 (VCV001445321.3), dbSNP rs368269918, ClinGen allele CA10065466.

ClinVar aggregate classification (germline): Uncertain significance (1 of 4 stars; one submission).

Allele frequency attached by ClinVar (database versions not stated): gnomAD exomes 0.00002 and 0.00005; TOPMed 0.00002; ExAC 0.00004; ESP Exome Variant Server 0.00008.
gnomAD v4.1: 69 of 1,613,098 alleles (0.0043%); highest among the groups gnomAD compares: Non-Finnish European, 0.0058%; no homozygotes.

Submission:

Labcorp Genetics (formerly Invitae), Labcorp
Classification: Uncertain significance. Last evaluated: 2022-08-08. Review status: criteria provided, single submitter. Criteria: Invitae Variant Classification Sherloc (09022015). Collection method: clinical testing. Allele origin: germline.
Comment: The COL18A1 gene has multiple clinically relevant transcripts. This variant occurs in alternate transcript NM_030582.4, and corresponds to NM_130445.3:c.107-12314C>T in the primary transcript. This sequence change replaces proline, which is neutral and non-polar, with leucine, which is neutral and non-polar, at codon 133 of the COL18A1 protein (p.Pro133Leu). This variant is present in population databases (rs368269918, gnomAD 0.005%). This variant has not been reported in the literature in individuals affected with COL18A1-related conditions. ClinVar contains an entry for this variant (Variation ID: 1445321). Experimental studies and prediction algorithms are not available or were not evaluated, and the functional significance of this variant is currently unknown. In summary, the available evidence is currently insufficient to determine the role of this variant in disease. Therefore, it has been classified as a Variant of Uncertain Significance.